The following is an entry in ClinVar:

NM_000261.2(MYOC):c.244C>T (p.Arg82Cys)

Gene: MYOC (myocilin; minus strand). Cytogenetic location: 1q24.3.
Variant type: single nucleotide variant.
Coding change: c.244C>T on transcript NM_000261.2 (MANE Select); coding-DNA position 244, C replaced by T.
Protein change: p.Arg82Cys; replaces arginine 82 with cysteine.
Molecular consequence: missense variant.
Genome position (GRCh38, 1-based): chr1:171,652,368, G>A on the plus strand (C>T on the coding strand, the complement: MYOC is on the minus strand). VCF-style: chr1-171652368-G-A. GRCh37 (hg19) VCF-style: chr1-171621508-G-A.
Other names: NM_000261.2(MYOC):c.244C>T; p.Arg82Cys; c.244C>T (NM_000261.1); short protein forms R82C.
Identifiers: ClinVar variation 806285 (VCV000806285.17), dbSNP rs764005392, ClinGen allele CA1244309.

ClinVar aggregate classification (germline): Likely benign. Review status: reviewed by expert panel (3 of 4 stars). 2 submissions from 2 submitters: Likely benign (1). 1 of the submissions does not count toward it. Last evaluated 2025-12-03.

Conditions:
Open-angle glaucoma. Identifiers: MedGen C0017612, MONDO:0005338, HP:0012108.
MYOC-related disorder. Also called: MYOC-related condition; MYOC-related disorders. Identifiers: MedGen CN239330.

Allele frequency attached by ClinVar (database versions not stated): gnomAD 0.00008 and 0.00006; gnomAD exomes 0.00008; ExAC 0.00007; TOPMed 0.00008.
gnomAD v4.1: 208 of 1,612,372 alleles (0.013%); highest among the groups gnomAD compares: Non-Finnish European, 0.016%; no homozygotes.

Submissions (2):

ClinGen Glaucoma Variant Curation Expert Panel
Classification: Likely benign for Open-angle glaucoma. Last evaluated: 2025-12-03. Review status: reviewed by expert panel. Criteria: ClinGen Glaucoma ACMG Specifications V2.0.0 Approved. Collection method: curation. Allele origin: germline. Inheritance: Autosomal dominant inheritance.
Comment: The c.244C>T variant in MYOC is a missense variant predicted to cause substitution of Arginine by Cysteine at amino acid 82 (p.Arg82Cys). The highest minor allele frequency of this variant was in the European (non-Finnish) genetic ancestry group of gnomAD (v4.1.0) = 0.0001646 (194 alleles out of 1,178,658), which did not meet the PM2_Supporting allele frequency threshold (≤ 0.0001) or the BS1 allele frequency threshold (≥ 0.001). The REVEL score = 0.268, which is within the 0.184-0.290 range for BP4, suggesting that the variant does not impact MYOC function. The Arg82Cys protein had similar secretion levels to wild type myocilin protein in these studies (PMIDs: 16466712, 36267417). The assays met the OddsPath threshold for BS3_Moderate (< 0.23), indicating that this variant did not impact protein function. Although probands with juvenile or primary open angle glaucoma have been reported carrying this variant, PM2_Supporting was not met, therefore PS4 did not apply. In summary, this variant met the criteria to receive a score of -3 and to be classified as likely benign (likely benign classification range -2 to -6, adapted from PMID: 32720330) for juvenile open angle glaucoma based on the ACMG/AMP criteria met, as specified by the ClinGen Glaucoma VCEP (v2.0.0, 5 Dec 2024): BS3_Moderate, BP4

PreventionGenetics, part of Exact Sciences
Classification: Likely benign for MYOC-related condition. Last evaluated: 2024-03-14. Review status: no assertion criteria provided. Collection method: clinical testing. Allele origin: germline. Not counted in ClinVar's aggregate classification.
Comment: This variant is classified as likely benign based on ACMG/AMP sequence variant interpretation guidelines (Richards et al. 2015 PMID: 25741868, with internal and published modifications).

Literature cited by the submitters: PubMed 36267417 (cited by ClinGen Glaucoma Variant Curation Expert Panel); PubMed 16466712 (cited by ClinGen Glaucoma Variant Curation Expert Panel).